The following is an entry in ClinVar:

ClinVar aggregate classification (germline): Uncertain significance (1 of 4 stars; one submission).

Conditions:
Shukla-Vernon syndrome. Identifiers: MedGen C5193146, MONDO:0026727, OMIM 301029.

Submission:

Institute of Human Genetics, University of Goettingen
Classification: Uncertain significance for Shukla-Vernon syndrome. Last evaluated: 2020-06-09. Review status: criteria provided, single submitter. Criteria: ACMG Guidelines, 2015. Collection method: clinical testing. Allele origin: unknown. Inheritance: X-linked recessive inheritance. Observed: 1 hemizygote.
Comment: The c.4054G>C BCORL1-variant (p.(Glu1352Gln)) is not found in known databases (ExAC or gnomAD) and has a pathogenic computational verdict due 3 pathogenic predictions from SIFT, MutationTaster and PolyPhen-2 vs 1 benign prediction from M-CAP. The variant affects a moderately conserved nucleotide, a highly conserved amino acid and there is a small physicochemical difference between Val and Leu. ACMG criteria used for classification: PM2, PP3.

NM_001379451.1(BCORL1):c.4054G>C (p.Glu1352Gln)

Gene: BCORL1 (BCL6 corepressor like 1; plus strand). Cytogenetic location: Xq26.1.
Variant type: single nucleotide variant.
Coding change: c.4054G>C on transcript NM_001379451.1 (MANE Select); coding-DNA position 4054, G replaced by C.
Protein change: p.Glu1352Gln; replaces glutamic acid 1352 with glutamine.
Molecular consequence: missense variant.
Genome position (GRCh38, 1-based): chrX:130,025,355, G>C. VCF-style: chrX-130025355-G-C. GRCh37 (hg19) VCF-style: chrX-129159330-G-C.
Other names: c.4054G>C, p.Glu1352Gln (NM_001184772.3, NM_001379450.1, NM_021946.5); short protein forms E1352Q.
Identifiers: ClinVar variation 917532 (VCV000917532.3), dbSNP rs141583187, ClinGen allele CA414599111.